The following is an entry in ClinVar:

ClinVar aggregate classification (germline): Uncertain significance. Review status: criteria provided, multiple submitters, no conflicts (2 of 4 stars). 3 submissions from 3 submitters: Uncertain significance (3). Last evaluated 2025-07-30.

Conditions:
Hereditary cancer-predisposing syndrome. Also called: Hereditary neoplastic syndrome; Neoplastic Syndromes, Hereditary; Tumor predisposition; Hereditary Cancer Syndrome. Identifiers: Orphanet 140162, MedGen C0027672, MeSH D009386, MONDO:0015356.
Familial adenomatous polyposis 1 (FAP1). Also called: POLYPOSIS, ADENOMATOUS INTESTINAL; FAMILIAL ADENOMATOUS POLYPOSIS 1, ATTENUATED. Identifiers: MedGen C2713442, MONDO:0021056, OMIM 175100. Disease mechanism: loss of function.

Allele frequency attached by ClinVar (database versions not stated): gnomAD exomes below 0.00001.
gnomAD v4.1: 2 of 1,614,080 alleles (0.00012%); highest among the groups gnomAD compares: Non-Finnish European, 0.000085%; no homozygotes.

Submissions (3):

Labcorp Genetics (formerly Invitae), Labcorp
Classification: Uncertain significance for Familial adenomatous polyposis 1. Last evaluated: 2025-07-30. Review status: criteria provided, single submitter. Criteria: Invitae Variant Classification Sherloc (09022015). Collection method: clinical testing. Allele origin: germline.
Comment: This sequence change replaces leucine, which is neutral and non-polar, with phenylalanine, which is neutral and non-polar, at codon 334 of the APC protein (p.Leu334Phe). This variant is not present in population databases (gnomAD no frequency). This variant has not been reported in the literature in individuals affected with APC-related conditions. ClinVar contains an entry for this variant (Variation ID: 469695). Invitae Evidence Modeling of protein sequence and biophysical properties (such as structural, functional, and spatial information, amino acid conservation, physicochemical variation, residue mobility, and thermodynamic stability) indicates that this missense variant is not expected to disrupt APC protein function with a negative predictive value of 95%. In summary, the available evidence is currently insufficient to determine the role of this variant in disease. Therefore, it has been classified as a Variant of Uncertain Significance.

Color Diagnostics, LLC DBA Color Health
Classification: Uncertain significance for Hereditary cancer-predisposing syndrome. Last evaluated: 2023-12-05. Review status: criteria provided, single submitter. Criteria: ACMG Guidelines, 2015. Collection method: clinical testing. Allele origin: germline.
Comment: This missense variant replaces leucine with phenylalanine at codon 334 of the APC protein. Computational prediction suggests that this variant may have deleterious impact on protein structure and function (internally defined REVEL score threshold >= 0.7, PMID: 27666373). To our knowledge, functional studies have not been reported for this variant. This variant has not been reported in individuals affected with APC-related disorders in the literature. This variant has not been identified in the general population by the Genome Aggregation Database (gnomAD). The available evidence is insufficient to determine the role of this variant in disease conclusively. Therefore, this variant is classified as a Variant of Uncertain Significance.

Ambry Genetics
Classification: Uncertain significance for Hereditary cancer-predisposing syndrome. Last evaluated: 2023-08-16. Review status: criteria provided, single submitter. Criteria: Ambry Variant Classification Scheme 2023. Collection method: clinical testing. Allele origin: germline.
Comment: The p.L334F variant (also known as c.1002G>C), located in coding exon 9 of the APC gene, results from a G to C substitution at nucleotide position 1002. The leucine at codon 334 is replaced by phenylalanine, an amino acid with highly similar properties. This amino acid position is highly conserved in available vertebrate species. In addition, in silico predictors for this gene do not accurately predict pathogenicity. Since supporting evidence is limited at this time, the clinical significance of this alteration remains unclear.

NM_000038.6(APC):c.1002G>C (p.Leu334Phe)

Gene: APC (APC regulator of Wnt signaling pathway; plus strand). Cytogenetic location: 5q22.2.
Variant type: single nucleotide variant.
Coding change: c.1002G>C on transcript NM_000038.6 (MANE Select); coding-DNA position 1002, G replaced by C.
Protein change: p.Leu334Phe; replaces leucine 334 with phenylalanine.
Molecular consequence: missense variant. On other transcripts: intron variant (4).
Genome position (GRCh38, 1-based): chr5:112,819,034, G>C. VCF-style: chr5-112819034-G-C. GRCh37 (hg19) VCF-style: chr5-112154731-G-C.
Other names: c.1002G>C, p.Leu334Phe (NM_001354896.2, NM_001127510.3, NM_001354895.2); c.1032G>C, p.Leu344Phe (NM_001354897.2); c.948G>C, p.Leu316Phe (NM_001127511.3); c.927G>C, p.Leu309Phe (NM_001354898.2); c.918G>C, p.Leu306Phe (NM_001354899.2); c.825G>C, p.Leu275Phe (NM_001354900.2, NM_001354901.2); c.153G>C, p.Leu51Phe (NM_001354906.2); c.964-235G>C (NM_001354902.2); and 3 more; short protein forms L316F, L334F, L306F, L275F, L51F, L309F, L344F.
Identifiers: ClinVar variation 469695 (VCV000469695.12), dbSNP rs928733098, ClinGen allele CA16023502.
Genomic context (GRCh38, chr5:112,819,034, plus strand): 5'-GGTGTATTCATTGTTGTCAATGCTTGGTACTCATGATAAGGATGATATGTCGCGAACTTT[G>C]CTAGCTATGTCTAGCTCCCAAGACAGCTGTATATCCATGCGACAGTCTGGATGTCTTCCT-3'
Protein context (NP_000029.2, residues 324-344): THDKDDMSRT[Leu334Phe]LAMSSSQDSC